The following is an entry in ClinVar:

ClinVar aggregate classification (germline): Benign. Review status: criteria provided, single submitter (1 of 4 stars). 2 submissions from 1 submitter: Benign (2). Last evaluated 2018-01-13.

Conditions:
Alopecia universalis congenita (ALUNC). Also called: ATRICHIA, GENERALIZED. Identifiers: Orphanet 701, MedGen C1859877, MONDO:0008757, OMIM 203655.
Atrichia with papular lesions (APL). Also called: PAPULAR ATRICHIA. Identifiers: Orphanet 86819, MedGen C1859592, MONDO:0008847, OMIM 209500.

Allele frequency attached by ClinVar (database versions not stated): gnomAD exomes 0.00076; 1000 Genomes Project 0.00899; 1000 Genomes Project 30x 0.00968; gnomAD 0.01001 and 0.01096; TOPMed 0.01209.

Submissions (2):

Illumina Laboratory Services, Illumina
Classification: Benign for Alopecia universalis congenita. Last evaluated: 2018-01-13. Review status: criteria provided, single submitter. Criteria: ICSL Variant Classification Criteria 13 December 2019. Collection method: clinical testing. Allele origin: germline.
Comment: This variant was observed in the ICSL laboratory as part of a predisposition screen in an ostensibly healthy population. It had not been previously curated by ICSL or reported in the Human Gene Mutation Database (HGMD: prior to June 1st, 2018), and was therefore a candidate for classification through an automated scoring system. Utilizing variant allele frequency, disease prevalence and penetrance estimates, and inheritance mode, an automated score was calculated to assess if this variant is too frequent to cause the disease. Based on the score and internal cut-off values, a variant classified as benign is not then subjected to further curation. The score for this variant resulted in a classification of benign for this disease.

Illumina Laboratory Services, Illumina
Classification: Benign for Atrichia with papular lesions. Last evaluated: 2018-01-13. Review status: criteria provided, single submitter. Criteria: ICSL Variant Classification Criteria 13 December 2019. Collection method: clinical testing. Allele origin: germline.
Comment: the same text as in the submission from Illumina Laboratory Services, Illumina above.

NM_005144.5(HR):c.*599T>G

Gene: HR (HR lysine demethylase and nuclear receptor corepressor; minus strand). Cytogenetic location: 8p21.3.
Variant type: single nucleotide variant.
Coding change: c.*599T>G on transcript NM_005144.5 (MANE Select); 599 bases downstream of the stop codon, T replaced by G.
Molecular consequence: 3 prime UTR variant.
Genome position (GRCh38, 1-based): chr8:22,115,101, A>C on the plus strand (T>G on the coding strand, the complement: HR is on the minus strand). VCF-style: chr8-22115101-A-C. GRCh37 (hg19) VCF-style: chr8-21972614-A-C.
Other names: c.*599T>G (NM_018411.4).
Identifiers: ClinVar variation 908876 (VCV000908876.4), dbSNP rs76109349, ClinGen allele CA173489464.